The following is an entry in ClinVar:

NM_032383.5(HPS3):c.132C>T (p.Phe44=)

Gene: HPS3 (HPS3 biogenesis of lysosomal organelles complex 2 subunit 1; plus strand). Cytogenetic location: 3q24.
Variant type: single nucleotide variant.
Coding change: c.132C>T on transcript NM_032383.5 (MANE Select); coding-DNA position 132, C replaced by T.
Protein change: p.Phe44=; no amino-acid change (phenylalanine 44 retained).
Molecular consequence: synonymous variant.
Genome position (GRCh38, 1-based): chr3:149,129,855, C>T. VCF-style: chr3-149129855-C-T. GRCh37 (hg19) VCF-style: chr3-148847642-C-T.
Other names: c.132C>T, p.Phe44= (NM_001308258.2).
Identifiers: ClinVar variation 3030086 (VCV003030086.2), dbSNP rs779631326, ClinGen allele CA436204818.
Genomic context (GRCh38, chr3:149,129,855, plus strand): 5'-GTTCTGTGGCGGGGGGCGTGACGCGCTTTTCGTGGCGGCGGGCTGCAAGGTGGAGGCGTT[C>T]GCGGTGGCCGGCCAGGAGCTGTGCCAGCCGCGGTGCGCCTTCTCCACGCTGGGCCGGGTG-3'
Protein context (NP_115759.2, residues 34-54): FVAAGCKVEA[Phe44=]AVAGQELCQP

ClinVar aggregate classification (germline): Likely benign (0 of 4 stars; one submission).

Conditions:
HPS3-related disorder. Also called: HPS3-related condition.

Submission:

PreventionGenetics, part of Exact Sciences
Classification: Likely benign for HPS3-related condition. Last evaluated: 2021-04-19. Review status: no assertion criteria provided. Collection method: clinical testing. Allele origin: germline.
Comment: This variant is classified as likely benign based on ACMG/AMP sequence variant interpretation guidelines (Richards et al. 2015 PMID: 25741868, with internal and published modifications).